The following is an entry in ClinVar:

NM_001352514.2(HLCS):c.853A>G (p.Ser285Gly)

Gene: HLCS (holocarboxylase synthetase; minus strand). Cytogenetic location: 21q22.13.
Variant type: single nucleotide variant.
Coding change: c.853A>G on transcript NM_001352514.2 (MANE Select); coding-DNA position 853, A replaced by G.
Protein change: p.Ser285Gly; replaces serine 285 with glycine.
Molecular consequence: missense variant. On other transcripts: non-coding transcript variant (2).
Genome position (GRCh38, 1-based): chr21:36,937,033, T>C on the plus strand (A>G on the coding strand, the complement: HLCS is on the minus strand). VCF-style: chr21-36937033-T-C. GRCh37 (hg19) VCF-style: chr21-38309333-T-C.
Other names: c.412A>G, p.Ser138Gly (NM_000411.8, NM_001242784.3, NM_001242785.2 and 4 more transcripts); short protein forms S138G, S285G.
Identifiers: ClinVar variation 1909896 (VCV001909896.2), dbSNP rs778867377, ClinGen allele CA10020690.

ClinVar aggregate classification (germline): Uncertain significance (1 of 4 stars; one submission).

Conditions:
Holocarboxylase synthetase deficiency. Also called: MULTIPLE CARBOXYLASE DEFICIENCY, EARLY ONSET. Identifiers: Orphanet 79242, MedGen C0268581, MONDO:0009666, OMIM 253270.

Allele frequency attached by ClinVar (database versions not stated): TOPMed below 0.00001; ExAC 0.00001; gnomAD 0.00001; gnomAD exomes 0.00001.
gnomAD v4.1: 16 of 1,613,996 alleles (0.00099%); highest among the groups gnomAD compares: Admixed American, 0.0033%; no homozygotes.

Submission:

Labcorp Genetics (formerly Invitae), Labcorp
Classification: Uncertain significance for Holocarboxylase synthetase deficiency. Last evaluated: 2022-07-15. Review status: criteria provided, single submitter. Criteria: Invitae Variant Classification Sherloc (09022015). Collection method: clinical testing. Allele origin: germline.
Comment: This sequence change replaces serine, which is neutral and polar, with glycine, which is neutral and non-polar, at codon 138 of the HLCS protein (p.Ser138Gly). This variant is present in population databases (rs778867377, gnomAD 0.006%). This variant has not been reported in the literature in individuals affected with HLCS-related conditions. Advanced modeling of protein sequence and biophysical properties (such as structural, functional, and spatial information, amino acid conservation, physicochemical variation, residue mobility, and thermodynamic stability) performed at Invitae indicates that this missense variant is not expected to disrupt HLCS protein function. In summary, the available evidence is currently insufficient to determine the role of this variant in disease. Therefore, it has been classified as a Variant of Uncertain Significance.